The following is an entry in ClinVar:

NM_000465.4(BARD1):c.2195T>C (p.Phe732Ser)

Gene: BARD1 (BRCA1 associated RING domain 1; minus strand). Cytogenetic location: 2q35.
Variant type: single nucleotide variant.
Coding change: c.2195T>C on transcript NM_000465.4 (MANE Select); coding-DNA position 2195, T replaced by C.
Protein change: p.Phe732Ser; replaces phenylalanine 732 with serine.
Molecular consequence: missense variant. On other transcripts: non-coding transcript variant (3).
Genome position (GRCh38, 1-based): chr2:214,728,815, A>G on the plus strand (T>C on the coding strand, the complement: BARD1 is on the minus strand). VCF-style: chr2-214728815-A-G. GRCh37 (hg19) VCF-style: chr2-215593539-A-G.
Other names: c.2138T>C, p.Phe713Ser (NM_001282543.2); c.842T>C, p.Phe281Ser (NM_001282545.2); c.785T>C, p.Phe262Ser (NM_001282548.2); c.656T>C, p.Phe219Ser (NM_001282549.2); c.2195T>C (NM_000465.2); short protein forms F732S, F219S, F713S, F281S, F262S.
Identifiers: ClinVar variation 406780 (VCV000406780.17), dbSNP rs760201905, ClinGen allele CA16610679.

ClinVar aggregate classification (germline): Uncertain significance. Review status: criteria provided, multiple submitters, no conflicts (2 of 4 stars). 5 submissions from 5 submitters: Uncertain significance (5). Last evaluated 2025-06-07.

Conditions:
BARD1-related cancer predisposition. Identifiers: MedGen CN377756, MONDO:0700267.
Hereditary cancer-predisposing syndrome. Also called: Hereditary Cancer Syndrome; Hereditary neoplastic syndrome; Neoplastic Syndromes, Hereditary; Tumor predisposition. Identifiers: Orphanet 140162, MedGen C0027672, MeSH D009386, MONDO:0015356.
Familial cancer of breast. Also called: BREAST CANCER, FAMILIAL; Hereditary breast cancer; hereditary breast carcinoma. Identifiers: Orphanet 227535, MedGen C0346153, MONDO:0016419, OMIM 114480. Disease mechanism: loss of function.

gnomAD v4.1: 7 of 1,614,228 alleles (0.00043%); highest among the groups gnomAD compares: South Asian, 0.0077%; no homozygotes.

Submissions (5):

Ambry Genetics
Classification: Uncertain significance for Hereditary cancer-predisposing syndrome. Last evaluated: 2025-06-07. Review status: criteria provided, single submitter. Criteria: Ambry Variant Classification Scheme 2023. Collection method: clinical testing. Allele origin: germline.
Comment: The p.F732S variant (also known as c.2195T>C), located in coding exon 11 of the BARD1 gene, results from a T to C substitution at nucleotide position 2195. The phenylalanine at codon 732 is replaced by serine, an amino acid with highly dissimilar properties. This amino acid position is conserved. In addition, the in silico prediction for this alteration is inconclusive. Based on the available evidence, the clinical significance of this variant remains unclear.

Color Diagnostics, LLC DBA Color Health
Classification: Uncertain significance for Hereditary cancer-predisposing syndrome. Last evaluated: 2025-01-06. Review status: criteria provided, single submitter. Criteria: ACMG Guidelines, 2015. Collection method: clinical testing. Allele origin: germline.
Comment: This missense variant replaces phenylalanine with serine at codon 732 of the BARD1 protein. Computational prediction suggests that this variant may not impact protein structure and function (internally defined REVEL score threshold <= 0.5, PMID: 27666373). To our knowledge, functional studies have not been reported for this variant. This variant has not been reported in individuals affected with BARD1-related disorders in the literature. This variant has not been identified in the general population by the Genome Aggregation Database (gnomAD). The available evidence is insufficient to determine the role of this variant in disease conclusively. Therefore, this variant is classified as a Variant of Uncertain Significance.

Labcorp Genetics (formerly Invitae), Labcorp
Classification: Uncertain significance for Familial cancer of breast. Last evaluated: 2024-10-08. Review status: criteria provided, single submitter. Criteria: Invitae Variant Classification Sherloc (09022015). Collection method: clinical testing. Allele origin: germline.
Comment: This sequence change replaces phenylalanine, which is neutral and non-polar, with serine, which is neutral and polar, at codon 732 of the BARD1 protein (p.Phe732Ser). This variant is not present in population databases (gnomAD no frequency). This variant has not been reported in the literature in individuals affected with BARD1-related conditions. ClinVar contains an entry for this variant (Variation ID: 406780). An algorithm developed to predict the effect of missense changes on protein structure and function (PolyPhen-2) suggests that this variant is likely to be disruptive. In summary, the available evidence is currently insufficient to determine the role of this variant in disease. Therefore, it has been classified as a Variant of Uncertain Significance.

Baylor Genetics
Classification: Uncertain significance for Familial cancer of breast. Last evaluated: 2023-05-05. Review status: criteria provided, single submitter. Criteria: ACMG Guidelines, 2015. Collection method: clinical testing. Allele origin: unknown.

Department of Pathology and Laboratory Medicine, Sinai Health System
Classification: Uncertain significance for BARD1-related cancer predisposition. Last evaluated: 2021-03-10. Review status: criteria provided, single submitter. Criteria: ACMG Guidelines, 2015. Collection method: clinical testing. Allele origin: germline. Affected: no.